The following is an entry in ClinVar:

NM_003901.4(SGPL1):c.800T>C (p.Val267Ala)

Gene: SGPL1 (sphingosine-1-phosphate lyase 1; plus strand). Cytogenetic location: 10q22.1.
Variant type: single nucleotide variant.
Coding change: c.800T>C on transcript NM_003901.4 (MANE Select); coding-DNA position 800, T replaced by C.
Protein change: p.Val267Ala; replaces valine 267 with alanine.
Molecular consequence: missense variant.
Genome position (GRCh38, 1-based): chr10:70,869,887, T>C. VCF-style: chr10-70869887-T-C. GRCh37 (hg19) VCF-style: chr10-72629644-T-C.
Other names: short protein forms V267A.
Identifiers: ClinVar variation 1514720 (VCV001514720.3), dbSNP rs1359864276, ClinGen allele CA377123266.

ClinVar aggregate classification (germline): Uncertain significance (1 of 4 stars; one submission).

Allele frequency attached by ClinVar (database versions not stated): gnomAD exomes below 0.00001 and 0.00001; TOPMed below 0.00001; gnomAD 0.00001.
gnomAD v4.1: 12 of 1,613,494 alleles (0.00074%); highest among the groups gnomAD compares: Non-Finnish European, 0.001%; no homozygotes.

Submission:

Labcorp Genetics (formerly Invitae), Labcorp
Classification: Uncertain significance. Last evaluated: 2022-06-20. Review status: criteria provided, single submitter. Criteria: Invitae Variant Classification Sherloc (09022015). Collection method: clinical testing. Allele origin: germline.
Comment: This sequence change replaces valine, which is neutral and non-polar, with alanine, which is neutral and non-polar, at codon 267 of the SGPL1 protein (p.Val267Ala). This variant is present in population databases (no rsID available, gnomAD 0.0009%). This variant has not been reported in the literature in individuals affected with SGPL1-related conditions. Algorithms developed to predict the effect of missense changes on protein structure and function (SIFT, PolyPhen-2, Align-GVGD) all suggest that this variant is likely to be disruptive. In summary, the available evidence is currently insufficient to determine the role of this variant in disease. Therefore, it has been classified as a Variant of Uncertain Significance.